The following is an entry in ClinVar:

ClinVar aggregate classification (germline): Uncertain significance. Review status: criteria provided, multiple submitters, no conflicts (2 of 4 stars). 3 submissions from 3 submitters: Uncertain significance (3). Last evaluated 2025-02-09.

Conditions:
Neonatal-onset encephalopathy with rigidity and seizures. Also called: Lethal neonatal spasticity-epileptic encephalopathy syndrome. Identifiers: Orphanet 435845, MedGen C3281029, MONDO:0013784, OMIM 614498.
Inborn genetic diseases. Identifiers: MedGen C0950123, MeSH D030342.

Allele frequency attached by ClinVar (database versions not stated): ExAC 0.00003; gnomAD 0.00003 and 0.00004; gnomAD exomes 0.00003; TOPMed 0.00004.
gnomAD v4.1: 33 of 1,610,992 alleles (0.002%); highest among the groups gnomAD compares: African/African-American, 0.011%; no homozygotes.

Submissions (3):

Ambry Genetics
Classification: Uncertain significance for Inborn genetic diseases. Last evaluated: 2025-02-09. Review status: criteria provided, single submitter. Criteria: Ambry Variant Classification Scheme 2023. Collection method: clinical testing. Allele origin: germline.

Labcorp Genetics (formerly Invitae), Labcorp
Classification: Uncertain significance for Neonatal-onset encephalopathy with rigidity and seizures. Last evaluated: 2022-09-07. Review status: criteria provided, single submitter. Criteria: Invitae Variant Classification Sherloc (09022015). Collection method: clinical testing. Allele origin: germline.
Comment: This sequence change replaces arginine, which is basic and polar, with histidine, which is basic and polar, at codon 367 of the BRAT1 protein (p.Arg367His). This variant is present in population databases (rs774408317, gnomAD 0.009%). This variant has not been reported in the literature in individuals affected with BRAT1-related conditions. ClinVar contains an entry for this variant (Variation ID: 857648). Algorithms developed to predict the effect of missense changes on protein structure and function (SIFT, PolyPhen-2, Align-GVGD) all suggest that this variant is likely to be tolerated. In summary, the available evidence is currently insufficient to determine the role of this variant in disease. Therefore, it has been classified as a Variant of Uncertain Significance.

GeneDx
Classification: Uncertain significance. Last evaluated: 2022-04-11. Review status: criteria provided, single submitter. Criteria: GeneDx Variant Classification Process June 2021. Collection method: clinical testing. Allele origin: germline. Affected: yes.
Comment: Not observed at a significant frequency in large population cohorts (gnomAD); In silico analysis, which includes protein predictors and evolutionary conservation, supports that this variant does not alter protein structure/function; Has not been previously published as pathogenic or benign to our knowledge

NM_152743.4(BRAT1):c.1100G>A (p.Arg367His)

Gene: BRAT1 (BRCA1 associated ATM activator 1; minus strand). Cytogenetic location: 7p22.3.
Variant type: single nucleotide variant.
Coding change: c.1100G>A on transcript NM_152743.4 (MANE Select); coding-DNA position 1100, G replaced by A.
Protein change: p.Arg367His; replaces arginine 367 with histidine.
Molecular consequence: missense variant. On other transcripts: non-coding transcript variant (1).
Genome position (GRCh38, 1-based): chr7:2,541,752, C>T on the plus strand (G>A on the coding strand, the complement: BRAT1 is on the minus strand). VCF-style: chr7-2541752-C-T. GRCh37 (hg19) VCF-style: chr7-2581386-C-T.
Other names: c.1100G>A, p.Arg367His (NM_001350626.2); c.575G>A, p.Arg192His (NM_001350627.2); short protein forms R192H, R367H.
Identifiers: ClinVar variation 857648 (VCV000857648.12), dbSNP rs774408317, ClinGen allele CA4127934.